The following is an entry in ClinVar:

NM_001081.4(CUBN):c.7913-11A>G

Gene: CUBN (cubilin; minus strand). Cytogenetic location: 10p13.
Variant type: single nucleotide variant.
Coding change: c.7913-11A>G on transcript NM_001081.4 (MANE Select); 11 bases into the intron before coding-DNA position 7913, A replaced by G.
Molecular consequence: intron variant.
Genome position (GRCh38, 1-based): chr10:16,904,126, T>C on the plus strand (A>G on the coding strand, the complement: CUBN is on the minus strand). VCF-style: chr10-16904126-T-C. GRCh37 (hg19) VCF-style: chr10-16946125-T-C.
Other names: p.?.
Identifiers: ClinVar variation 299414 (VCV000299414.19), dbSNP rs7088988, ClinGen allele CA5423193.
Genomic context (GRCh38, chr10:16,904,126, plus strand): 5'-AGGCTTTGAAGGACCACAAAGTCTCCACATCAGGGGCCCATCAGCATCACCTGAACAAAA[T>C]AATATACCAAGTGCCATCATTGATACAGCTTTTGAGAAATACATTCAATGAATTTGATAA-3'

ClinVar aggregate classification (germline): Benign/Likely benign. Review status: criteria provided, multiple submitters, no conflicts (2 of 4 stars). 6 submissions from 6 submitters: Benign (5); Likely benign (1). Last evaluated 2026-02-01.

Conditions:
Imerslund-Grasbeck syndrome type 1 (IGS1). Also called: Megaloblastic anemia 1, Finnish type; MEGALOBLASTIC ANEMIA, 1; Imerslund-Gräsbeck syndrome 1. Identifiers: MedGen C4016819, MONDO:0100156, OMIM 261100.
Imerslund-Grasbeck syndrome. Also called: ENTEROCYTE COBALAMIN MALABSORPTION; ENTEROCYTE INTRINSIC FACTOR RECEPTOR, DEFECT OF; Imerslund-Gräsbeck syndrome; PERNICIOUS ANEMIA, JUVENILE, DUE TO SELECTIVE INTESTINAL MALABSORPTION OF VITAMIN B12, WITH PROTEINURIA; Megaloblastic anemia due to inborn errors of metabolism. Identifiers: Orphanet 35858, MedGen C4551825, MONDO:0009853.

Allele frequency attached by ClinVar (database versions not stated): 1000 Genomes Project 0.02796; 1000 Genomes Project 30x 0.02904; TOPMed 0.04699; gnomAD 0.05036; ESP Exome Variant Server 0.05513; ExAC 0.05782.
gnomAD v4.1: 108,340 of 1,612,370 alleles (6.7%); highest among the groups gnomAD compares: Non-Finnish European, 7.6%; 4,141 homozygotes.

Submissions (6):

Labcorp Genetics (formerly Invitae), Labcorp
Classification: Benign for Imerslund-Grasbeck syndrome. Last evaluated: 2026-02-01. Review status: criteria provided, single submitter. Criteria: Invitae Variant Classification Sherloc (09022015). Collection method: clinical testing. Allele origin: germline.

Blueprint Genetics
Classification: Likely benign. Last evaluated: 2024-11-27. Review status: criteria provided, single submitter. Criteria: ACMG Guidelines, 2015. Collection method: clinical testing. Allele origin: germline.

Mayo Clinic Laboratories, Mayo Clinic
Classification: Benign. Last evaluated: 2021-04-07. Review status: criteria provided, single submitter. Criteria: ACMG Guidelines, 2015. Collection method: clinical testing. Allele origin: germline. Observed: 9 variant alleles.

GeneDx
Classification: Benign. Last evaluated: 2018-10-17. Review status: criteria provided, single submitter. Criteria: GeneDx Variant Classification Process June 2021. Collection method: clinical testing. Allele origin: germline. Affected: yes.

Illumina Laboratory Services, Illumina
Classification: Benign for Imerslund-Grasbeck syndrome type 1. Last evaluated: 2018-01-13. Review status: criteria provided, single submitter. Criteria: ICSL Variant Classification Criteria 13 December 2019. Collection method: clinical testing. Allele origin: germline.
Comment: This variant was observed in the ICSL laboratory as part of a predisposition screen in an ostensibly healthy population. It had not been previously curated by ICSL or reported in the Human Gene Mutation Database (HGMD: prior to June 1st, 2018), and was therefore a candidate for classification through an automated scoring system. Utilizing variant allele frequency, disease prevalence and penetrance estimates, and inheritance mode, an automated score was calculated to assess if this variant is too frequent to cause the disease. Based on the score and internal cut-off values, a variant classified as benign is not then subjected to further curation. The score for this variant resulted in a classification of benign for this disease.

Breakthrough Genomics
Classification: Benign. Review status: criteria provided, single submitter. Criteria: ACMG Guidelines, 2015. Collection method: not provided. Allele origin: germline. Inheritance: Autosomal recessive inheritance. Affected: yes.